The following is an entry in ClinVar:

ClinVar aggregate classification (germline): Uncertain significance. Review status: criteria provided, multiple submitters, no conflicts (2 of 4 stars). 2 submissions from 2 submitters: Uncertain significance (2). Last evaluated 2025-09-24.

Conditions:
Hereditary cancer-predisposing syndrome. Also called: Hereditary Cancer Syndrome; Tumor predisposition; Hereditary neoplastic syndrome; Neoplastic Syndromes, Hereditary. Identifiers: Orphanet 140162, MedGen C0027672, MeSH D009386, MONDO:0015356.
Hereditary breast ovarian cancer syndrome. Also called: Hereditary breast and ovarian cancer; Hereditary breast and ovarian cancer syndrome (HBOC); BRCA1- and BRCA2-Associated Hereditary Breast and Ovarian Cancer; Hereditary breast and ovarian cancer syndrome; Hereditary breast and/or ovarian cancer syndrome; Breast and ovarian cancer. Identifiers: Orphanet 145, MedGen C0677776, MeSH D061325, MONDO:0003582. Disease mechanism: loss of function.

gnomAD v4.1: 1 of 1,613,840 alleles (0.000062%); highest among the groups gnomAD compares: Non-Finnish European, 0.000085%; no homozygotes.

Submissions (2):

Labcorp Genetics (formerly Invitae), Labcorp
Classification: Uncertain significance for Hereditary breast ovarian cancer syndrome. Last evaluated: 2025-09-24. Review status: criteria provided, single submitter. Criteria: Invitae Variant Classification Sherloc (09022015). Collection method: clinical testing. Allele origin: germline.
Comment: This sequence change replaces serine, which is neutral and polar, with phenylalanine, which is neutral and non-polar, at codon 123 of the BRCA1 protein (p.Ser123Phe). This variant is present in population databases (no rsID available, gnomAD 0.0009%). This variant has not been reported in the literature in individuals affected with BRCA1-related conditions. ClinVar contains an entry for this variant (Variation ID: 3261473). Invitae Evidence Modeling of protein sequence and biophysical properties (such as structural, functional, and spatial information, amino acid conservation, physicochemical variation, residue mobility, and thermodynamic stability) indicates that this missense variant is expected to disrupt BRCA1 protein function with a positive predictive value of 80%. In summary, the available evidence is currently insufficient to determine the role of this variant in disease. Therefore, it has been classified as a Variant of Uncertain Significance.

Ambry Genetics
Classification: Uncertain significance for Hereditary cancer-predisposing syndrome. Last evaluated: 2024-05-08. Review status: criteria provided, single submitter. Criteria: Ambry Variant Classification Scheme 2023. Collection method: clinical testing. Allele origin: germline.
Comment: The p.S123F variant (also known as c.368C>T), located in coding exon 5 of the BRCA1 gene, results from a C to T substitution at nucleotide position 368. The serine at codon 123 is replaced by phenylalanine, an amino acid with highly dissimilar properties. In one study, this variant was observed in 1/1001 patients with non-mucinous ovarian carcinoma and classified as a variant of uncertain significance by the authors (Alsop K et al. J Clin Oncol, 2012 Jul;30:2654-63). This amino acid position is well conserved in available vertebrate species. In addition, this alteration is predicted to be deleterious by in silico analysis. Based on the available evidence, the clinical significance of this variant remains unclear.

Literature cited by the submitters: PubMed 22711857 (cited by Ambry Genetics).

NM_007294.4(BRCA1):c.368C>T (p.Ser123Phe)

Gene: BRCA1 (BRCA1 DNA repair associated; minus strand). Cytogenetic location: 17q21.31.
Variant type: single nucleotide variant.
Coding change: c.368C>T on transcript NM_007294.4 (MANE Select); coding-DNA position 368, C replaced by T.
Protein change: p.Ser123Phe; replaces serine 123 with phenylalanine.
Molecular consequence: missense variant. On other transcripts: 5 prime UTR variant (7), intron variant (2).
Genome position (GRCh38, 1-based): chr17:43,104,195, G>A on the plus strand (C>T on the coding strand, the complement: BRCA1 is on the minus strand). VCF-style: chr17-43104195-G-A. GRCh37 (hg19) VCF-style: chr17-41256212-G-A.
Other names: c.368C>T, p.Ser123Phe (NM_001407674.1, NM_001407675.1, NM_001407676.1 and 164 more transcripts); c.236C>T, p.Ser79Phe (NM_001408451.1); c.227C>T, p.Ser76Phe (NM_001408452.1, NM_001408453.1, NM_001408454.1 and 99 more transcripts); c.158C>T, p.Ser53Phe (NM_001407571.1, NM_001407853.1, NM_001407879.1 and 58 more transcripts); c.359C>T, p.Ser120Phe (NM_001407646.1, NM_001407647.1, NM_001408408.1); c.290C>T, p.Ser97Phe (NM_001407653.1, NM_001407654.1, NM_001407655.1 and 21 more transcripts); c.-14C>T (NM_001407959.1, NM_001407960.1, NM_001407962.1 and 4 more transcripts); c.-218-9335C>T (NM_001407967.1, NM_001407966.1); short protein forms S76F, S79F, S97F, S120F, S123F, S53F.
Identifiers: ClinVar variation 3261473 (VCV003261473.2).
Genomic context (GRCh38, chr17:43,104,195, plus strand): 5'-TCGGGTTCACTCTGTAGAAGTCTTTTGGCACGGTTTCTGTAGCCCATACTTTGGATGATA[G>A]AAACTTCATCTTTTAGATGTTCAGGAGAGTTATTTTCCTTTTTTGCAAAATTATAGCTGT-3'
Protein context (NP_009225.1, residues 113-133): NSPEHLKDEV[Ser123Phe]IIQSMGYRNR